The following is an entry in ClinVar:

NM_053025.4(MYLK):c.467G>T (p.Trp156Leu)

Gene: MYLK (myosin light chain kinase; minus strand). Cytogenetic location: 3q21.1.
Variant type: single nucleotide variant.
Coding change: c.467G>T on transcript NM_053025.4 (MANE Select); coding-DNA position 467, G replaced by T.
Protein change: p.Trp156Leu; replaces tryptophan 156 with leucine.
Molecular consequence: missense variant. On other transcripts: 5 prime UTR variant (1).
Genome position (GRCh38, 1-based): chr3:123,739,018, C>A on the plus strand (G>T on the coding strand, the complement: MYLK is on the minus strand). VCF-style: chr3-123739018-C-A. GRCh37 (hg19) VCF-style: chr3-123457865-C-A.
Other names: c.-62G>T (NM_001321309.2); c.467G>T, p.Trp156Leu (NM_053026.4, NM_053027.4, NM_053028.4); short protein forms W156L.
Identifiers: ClinVar variation 2488409 (VCV002488409.6), dbSNP rs146339915, ClinGen allele CA072213.
Genomic context (GRCh38, chr3:123,739,018, plus strand): 5'-TGTCCTTCTTTGACCACAACTCGGCCCAGCTTGGTAGCAAACTTTGGTGGGCACTCCCCC[C>A]AGATGCTAGGACGGGTCTCCACTGCTGGAGCTGAAAATCTATCCCTGTAAGGAAATTGGC-3'
Protein context (NP_444253.3, residues 146-166): APAVETRPSI[Trp156Leu]GECPPKFATK

ClinVar aggregate classification (germline): Uncertain significance. Review status: criteria provided, multiple submitters, no conflicts (2 of 4 stars). 2 submissions from 2 submitters: Uncertain significance (2). Last evaluated 2025-05-14.

Conditions:
Familial thoracic aortic aneurysm and aortic dissection (TAAD). Also called: Thoracic aortic aneurysms and dissections. Identifiers: Orphanet 91387, MedGen C4707243, MONDO:0019625.
Aortic aneurysm, familial thoracic 7 (AAT7). Also called: AORTIC DISSECTION, FAMILIAL, WITH OR WITHOUT AORTIC ANEURYSM. Identifiers: MedGen C3151077, MONDO:0013418, OMIM 613780.

Allele frequency attached by ClinVar (database versions not stated): ESP Exome Variant Server 0.00008; gnomAD 0.00009.
gnomAD v4.1: 22 of 1,613,804 alleles (0.0014%); highest among the groups gnomAD compares: African/African-American, 0.028%; no homozygotes.

Submissions (2):

Ambry Genetics
Classification: Uncertain significance for Familial thoracic aortic aneurysm and aortic dissection. Last evaluated: 2025-05-14. Review status: criteria provided, single submitter. Criteria: Ambry Variant Classification Scheme 2023. Collection method: clinical testing. Allele origin: germline.

Labcorp Genetics (formerly Invitae), Labcorp
Classification: Uncertain significance for Aortic aneurysm, familial thoracic 7. Last evaluated: 2024-10-30. Review status: criteria provided, single submitter. Criteria: Invitae Variant Classification Sherloc (09022015). Collection method: clinical testing. Allele origin: germline.
Comment: This sequence change replaces tryptophan, which is neutral and slightly polar, with leucine, which is neutral and non-polar, at codon 156 of the MYLK protein (p.Trp156Leu). This variant is present in population databases (rs146339915, gnomAD 0.04%). This variant has not been reported in the literature in individuals affected with MYLK-related conditions. ClinVar contains an entry for this variant (Variation ID: 2488409). Invitae Evidence Modeling of protein sequence and biophysical properties (such as structural, functional, and spatial information, amino acid conservation, physicochemical variation, residue mobility, and thermodynamic stability) indicates that this missense variant is not expected to disrupt MYLK protein function with a negative predictive value of 95%. In summary, the available evidence is currently insufficient to determine the role of this variant in disease. Therefore, it has been classified as a Variant of Uncertain Significance.